The following is an entry in ClinVar:

ClinVar aggregate classification (germline): Uncertain significance (1 of 4 stars; one submission).

Conditions:
Hereditary diffuse gastric adenocarcinoma (HDGC). Also called: DIFFUSE GASTRIC AND LOBULAR BREAST CANCER SYNDROME. Identifiers: Orphanet 26106, MedGen C1708349, MONDO:0007648, OMIM 137215.

Allele frequency attached by ClinVar (database versions not stated): gnomAD exomes 0.00001.
gnomAD v4.1: 6 of 1,614,246 alleles (0.00037%); highest among the groups gnomAD compares: South Asian, 0.0066%; no homozygotes.

Submission:

Labcorp Genetics (formerly Invitae), Labcorp
Classification: Uncertain significance for Hereditary diffuse gastric adenocarcinoma. Last evaluated: 2024-07-24. Review status: criteria provided, single submitter. Criteria: Invitae Variant Classification Sherloc (09022015). Collection method: clinical testing. Allele origin: germline.
Comment: This sequence change replaces threonine, which is neutral and polar, with alanine, which is neutral and non-polar, at codon 515 of the CDH1 protein (p.Thr515Ala). This variant is present in population databases (no rsID available, gnomAD 0.006%). This variant has not been reported in the literature in individuals affected with CDH1-related conditions. ClinVar contains an entry for this variant (Variation ID: 1020040). An algorithm developed to predict the effect of missense changes on protein structure and function (PolyPhen-2) suggests that this variant is likely to be tolerated. In summary, the available evidence is currently insufficient to determine the role of this variant in disease. Therefore, it has been classified as a Variant of Uncertain Significance.

NM_004360.5(CDH1):c.1543A>G (p.Thr515Ala)

Gene: CDH1 (cadherin 1; plus strand). Cytogenetic location: 16q22.1.
Variant type: single nucleotide variant.
Coding change: c.1543A>G on transcript NM_004360.5 (MANE Select); coding-DNA position 1543, A replaced by G.
Protein change: p.Thr515Ala; replaces threonine 515 with alanine.
Molecular consequence: missense variant. On other transcripts: 5 prime UTR variant (2).
Genome position (GRCh38, 1-based): chr16:68,815,737, A>G. VCF-style: chr16-68815737-A-G. GRCh37 (hg19) VCF-style: chr16-68849640-A-G.
Other names: c.1360A>G, p.Thr454Ala (NM_001317184.2); c.-6A>G (NM_001317185.2); c.-277A>G (NM_001317186.2); short protein forms T454A, T515A.
Identifiers: ClinVar variation 1020040 (VCV001020040.5), dbSNP rs1219371636, ClinGen allele CA396463553.
Genomic context (GRCh38, chr16:68,815,737, plus strand): 5'-GTGTCCGAGGACTTTGGCGTGGGCCAGGAAATCACATCCTACACTGCCCAGGAGCCAGAC[A>G]CATTTATGGAACAGAAAATAACGTAAGTGTGAGGATTTTTCAACTGACTTGCAGCAACTG-3'
Protein context (NP_004351.1, residues 505-525): ITSYTAQEPD[Thr515Ala]FMEQKITYRI